The following is an entry in ClinVar:

ClinVar aggregate classification (germline): Likely benign. Review status: criteria provided, multiple submitters, no conflicts (2 of 4 stars). 2 submissions from 2 submitters: Likely benign (2). Last evaluated 2025-10-20.

Conditions:
Tuberous sclerosis 2 (TSC2). Identifiers: Orphanet 805, MedGen C1860707, MONDO:0013199, OMIM 613254.

Allele frequency attached by ClinVar (database versions not stated): gnomAD 0.00001; gnomAD exomes 0.00002; TOPMed 0.00002.
gnomAD v4.1: 4 of 1,551,522 alleles (0.00026%); highest among the groups gnomAD compares: Admixed American, 0.0078%; no homozygotes.

Submissions (2):

Labcorp Genetics (formerly Invitae), Labcorp
Classification: Likely benign for Tuberous sclerosis 2. Last evaluated: 2025-10-20. Review status: criteria provided, single submitter. Criteria: Invitae Variant Classification Sherloc (09022015). Collection method: clinical testing. Allele origin: germline.

GeneDx
Classification: Likely benign. Last evaluated: 2017-02-02. Review status: criteria provided, single submitter. Criteria: GeneDx Variant Classification (06012015). Collection method: clinical testing. Allele origin: germline. Affected: yes.
Comment: This variant is considered likely benign or benign based on one or more of the following criteria: it is a conservative change, it occurs at a poorly conserved position in the protein, it is predicted to be benign by multiple in silico algorithms, and/or has population frequency not consistent with disease.

NM_000548.5(TSC2):c.848+13G>T

Gene: TSC2 (TSC complex subunit 2; plus strand). Cytogenetic location: 16p13.3.
Variant type: single nucleotide variant.
Coding change: c.848+13G>T on transcript NM_000548.5 (MANE Select); 13 bases into the intron after coding-DNA position 848, G replaced by T.
Molecular consequence: intron variant.
Genome position (GRCh38, 1-based): chr16:2,057,191, G>T. VCF-style: chr16-2057191-G-T. GRCh37 (hg19) VCF-style: chr16-2107192-G-T.
Other names: c.848+13G>T (NM_001114382.3, NM_021055.3, NM_001370405.1 and 3 more transcripts); c.737+13G>T (NM_001318827.2); c.248+13G>T (NM_001318831.2); c.701+13G>T (NM_001318829.2); c.881+13G>T (NM_001318832.2).
Identifiers: ClinVar variation 507163 (VCV000507163.8), dbSNP rs1402619251, ClinGen allele CA620373205.